The following is an entry in ClinVar:

ClinVar aggregate classification (germline): Uncertain significance (1 of 4 stars; one submission).

Conditions:
Blau syndrome (BLAUS). Also called: GRANULOMATOSIS, FAMILIAL JUVENILE SYSTEMIC; GRANULOMATOSIS, FAMILIAL, BLAU TYPE; GRANULOMATOUS INFLAMMATORY ARTHRITIS, DERMATITIS, AND UVEITIS, FAMILIAL; JABS SYNDROME; ARTHROCUTANEOUVEAL GRANULOMATOSIS. Identifiers: Orphanet 90340, MedGen C5201146, MONDO:0008523, OMIM 186580.
Regional enteritis. Also called: Enteritis, Granulomatous. Identifiers: MedGen C0678202, MeSH D003424.

Allele frequency attached by ClinVar (database versions not stated): gnomAD exomes 0.00001 and 0.00004; ExAC 0.00003; gnomAD 0.00003; TOPMed 0.00003.
gnomAD v4.1: 20 of 1,614,004 alleles (0.0012%); highest among the groups gnomAD compares: Admixed American, 0.023%; no homozygotes.

Submission:

Labcorp Genetics (formerly Invitae), Labcorp
Classification: Uncertain significance for Regional enteritis; Blau syndrome. Last evaluated: 2025-08-10. Review status: criteria provided, single submitter. Criteria: Invitae Variant Classification Sherloc (09022015). Collection method: clinical testing. Allele origin: germline.
Comment: This sequence change replaces asparagine, which is neutral and polar, with serine, which is neutral and polar, at codon 825 of the NOD2 protein (p.Asn825Ser). This variant is present in population databases (rs747787438, gnomAD 0.02%). This missense change has been observed in individual(s) with Yao syndrome (PMID: 38348033). ClinVar contains an entry for this variant (Variation ID: 933842). Invitae Evidence Modeling of protein sequence and biophysical properties (such as structural, functional, and spatial information, amino acid conservation, physicochemical variation, residue mobility, and thermodynamic stability) has been performed for this missense variant. However, the output from this modeling did not meet the statistical confidence thresholds required to predict the impact of this variant on NOD2 protein function. In summary, the available evidence is currently insufficient to determine the role of this variant in disease. Therefore, it has been classified as a Variant of Uncertain Significance.

Literature cited by the submitters: PubMed 38348033.

NM_001370466.1(NOD2):c.2393A>G (p.Asn798Ser)

Gene: NOD2 (nucleotide binding oligomerization domain containing 2; plus strand). Cytogenetic location: 16q12.1.
Variant type: single nucleotide variant.
Coding change: c.2393A>G on transcript NM_001370466.1 (MANE Select); coding-DNA position 2393, A replaced by G.
Protein change: p.Asn798Ser; replaces asparagine 798 with serine.
Molecular consequence: missense variant. On other transcripts: non-coding transcript variant (1).
Genome position (GRCh38, 1-based): chr16:50,716,598, A>G. VCF-style: chr16-50716598-A-G. GRCh37 (hg19) VCF-style: chr16-50750509-A-G.
Other names: c.2393A>G, p.Asn798Ser (NM_001293557.2); c.2474A>G, p.Asn825Ser (NM_022162.3); short protein forms N825S, N798S.
Identifiers: ClinVar variation 933842 (VCV000933842.9), dbSNP rs747787438, ClinGen allele CA8051798.
Genomic context (GRCh38, chr16:50,716,598, plus strand): 5'-TCTTGTCTTACTAGCTCCATTTTCAAATGTATTTATTTTGTCTCTTTAGTTTGCGCGATA[A>G]CAATATCTCAGACCGAGGCATCTGCAAGCTCATTGAATGTGCTCTTCACTGCGAGCAATT-3'
Protein context (NP_001357395.1, residues 788-808): GVCKALYLRD[Asn798Ser]NISDRGICKL